The following is an entry in ClinVar:

ClinVar aggregate classification (germline): Uncertain significance. Review status: criteria provided, multiple submitters, no conflicts (2 of 4 stars). 2 submissions from 2 submitters: Uncertain significance (2). Last evaluated 2025-07-07.

Allele frequency attached by ClinVar (database versions not stated): gnomAD exomes below 0.00001.
gnomAD v4.1: 1 of 1,614,004 alleles (0.000062%); highest among the groups gnomAD compares: Non-Finnish European, 0.000085%; no homozygotes.

Submissions (2):

Labcorp Genetics (formerly Invitae), Labcorp
Classification: Uncertain significance. Last evaluated: 2025-07-07. Review status: criteria provided, single submitter. Criteria: Invitae Variant Classification Sherloc (09022015). Collection method: clinical testing. Allele origin: germline.
Comment: This sequence change replaces arginine, which is basic and polar, with glycine, which is neutral and non-polar, at codon 180 of the GALNT12 protein (p.Arg180Gly). This variant is not present in population databases (gnomAD no frequency). This variant has not been reported in the literature in individuals affected with GALNT12-related conditions. ClinVar contains an entry for this variant (Variation ID: 1008324). Invitae Evidence Modeling of protein sequence and biophysical properties (such as structural, functional, and spatial information, amino acid conservation, physicochemical variation, residue mobility, and thermodynamic stability) indicates that this missense variant is not expected to disrupt GALNT12 protein function with a negative predictive value of 80%. In summary, the available evidence is currently insufficient to determine the role of this variant in disease. Therefore, it has been classified as a Variant of Uncertain Significance.

Ambry Genetics
Classification: Uncertain significance. Last evaluated: 2023-08-02. Review status: criteria provided, single submitter. Criteria: Ambry Variant Classification Scheme 2023. Collection method: clinical testing. Allele origin: germline.
Comment: The p.R180G variant (also known as c.538A>G), located in coding exon 2 of the GALNT12 gene, results from an A to G substitution at nucleotide position 538. The arginine at codon 180 is replaced by glycine, an amino acid with dissimilar properties. This amino acid position is conserved. In addition, the in silico prediction for this alteration is inconclusive. Since supporting evidence is limited at this time, the clinical significance of this alteration remains unclear.

NM_024642.5(GALNT12):c.538A>G (p.Arg180Gly)

Gene: GALNT12 (polypeptide N-acetylgalactosaminyltransferase 12; plus strand). Cytogenetic location: 9q22.33.
Variant type: single nucleotide variant.
Coding change: c.538A>G on transcript NM_024642.5 (MANE Select); coding-DNA position 538, A replaced by G.
Protein change: p.Arg180Gly; replaces arginine 180 with glycine.
Molecular consequence: missense variant.
Genome position (GRCh38, 1-based): chr9:98,823,422, A>G. VCF-style: chr9-98823422-A-G. GRCh37 (hg19) VCF-style: chr9-101585704-A-G.
Other names: c.538A>G (NM_024642.4); short protein forms R180G.
Identifiers: ClinVar variation 1008324 (VCV001008324.10), dbSNP rs1835790665, ClinGen allele CA374216911.